The following is an entry in ClinVar:

ClinVar aggregate classification (germline): Conflicting classifications of pathogenicity. Review status: criteria provided, conflicting classifications (1 of 4 stars). 5 submissions from 5 submitters: Likely pathogenic (1); Uncertain significance (3). 1 of the submissions does not count toward it. Last evaluated 2025-08-18.

Conditions:
SLC25A32-related disorder. Also called: SLC25A32-related condition.
Exercise intolerance, riboflavin-responsive (RREI). Identifiers: MedGen C4225187, MONDO:0014795, OMIM 616839.

Allele frequency attached by ClinVar (database versions not stated): gnomAD exomes 0.00007 and 0.00017; ExAC 0.00009; 1000 Genomes Project 30x 0.00016; 1000 Genomes Project 0.00020; gnomAD 0.00021; TOPMed 0.00022; ESP Exome Variant Server 0.00031.
gnomAD v4.1: 276 of 1,612,240 alleles (0.017%); highest among the groups gnomAD compares: African/African-American, 0.029%; no homozygotes.

Submissions (5):

PreventionGenetics, part of Exact Sciences
Classification: Uncertain significance for SLC25A32-related condition. Last evaluated: 2025-08-18. Review status: criteria provided, single submitter. Criteria: ACMG Guidelines, 2015. Collection method: clinical testing. Allele origin: germline.
Comment: The SLC25A32 c.440G>A variant is predicted to result in the amino acid substitution p.Arg147His. This variant was reported in the compound heterozygous state in an individual with riboflavin-responsive exercise intolerance (Schiff et al. 2016. PubMed ID: 26933868). In vitro functional studies suggests this variant is deleterious (Schiff et al. 2016. PubMed ID: 26933868). This variant is reported in 0.036% of alleles in individuals of African descent in gnomAD. At this time, the clinical significance of this variant is uncertain due to the absence of conclusive functional and genetic evidence.

Labcorp Genetics (formerly Invitae), Labcorp
Classification: Uncertain significance. Last evaluated: 2025-05-11. Review status: criteria provided, single submitter. Criteria: Invitae Variant Classification Sherloc (09022015). Collection method: clinical testing. Allele origin: germline.
Comment: This sequence change replaces arginine, which is basic and polar, with histidine, which is basic and polar, at codon 147 of the SLC25A32 protein (p.Arg147His). This variant is present in population databases (rs142329098, gnomAD 0.04%). This missense change has been observed in individual(s) with recurrent exercise intolerance (PMID: 26933868). ClinVar contains an entry for this variant (Variation ID: 223106). Invitae Evidence Modeling of protein sequence and biophysical properties (such as structural, functional, and spatial information, amino acid conservation, physicochemical variation, residue mobility, and thermodynamic stability) indicates that this missense variant is expected to disrupt SLC25A32 protein function with a positive predictive value of 80%. Experimental studies have shown that this missense change affects SLC25A32 function (PMID: 26933868). Algorithms developed to predict the effect of sequence changes on RNA splicing suggest that this variant may disrupt the consensus splice site. In summary, the available evidence is currently insufficient to determine the role of this variant in disease. Therefore, it has been classified as a Variant of Uncertain Significance.

Women's Health and Genetics/Laboratory Corporation of America, LabCorp
Classification: Uncertain significance. Last evaluated: 2023-12-15. Review status: criteria provided, single submitter. Criteria: LabCorp Variant Classification Summary - May 2015. Collection method: clinical testing. Allele origin: germline.
Comment: Variant summary: SLC25A32 c.440G>A (p.Arg147His) results in a non-conservative amino acid change in the encoded protein sequence. Five of five in-silico tools predict a damaging effect of the variant on protein function. The variant allele was found at a frequency of 7.2e-05 in 251262 control chromosomes (gnomAD). c.440G>A has been reported in the literature in an individual affected with Exercise Intolerance, Riboflavin-Responsive who was compound heterozygous with a truncating variant (Schiff_2016). These data do not allow any conclusion about variant significance. This publication also reports experimental evidence evaluating an impact on protein function in a yeast model, finding that the missense variant in the orthologous protein results in significantly reduced enzymatic activity. The following publication has been ascertained in the context of this evaluation (PMID: 26933868). Three submitters have cited clinical-significance assessments for this variant to ClinVar after 2014, and classified it as pathogenic (n=1), likely pathogenic (n=1), or uncertain significance (n=1). Based on the evidence outlined above, the variant was classified as VUS-possibly pathogenic.

MGZ Medical Genetics Center
Classification: Likely pathogenic for Exercise intolerance, riboflavin-responsive. Last evaluated: 2021-08-24. Review status: criteria provided, single submitter. Criteria: ACMG Guidelines, 2015. Collection method: clinical testing. Allele origin: germline. Affected: yes. Observed: 1 variant allele.
Comment: ACMG criteria applied: PS3, PM3, PM2_SUP, PP3

OMIM
Classification: Pathogenic for EXERCISE INTOLERANCE, RIBOFLAVIN-RESPONSIVE (1 patient). Last evaluated: 2020-10-12. Review status: no assertion criteria provided. Collection method: literature only. Allele origin: germline. Not counted in ClinVar's aggregate classification.

Literature cited by the submitters: PubMed 26933868 (cited by 3 submitters).

NM_030780.5(SLC25A32):c.440G>A (p.Arg147His)

Gene: SLC25A32 (solute carrier family 25 member 32; minus strand). Cytogenetic location: 8q22.3.
Variant type: single nucleotide variant.
Coding change: c.440G>A on transcript NM_030780.5 (MANE Select); coding-DNA position 440, G replaced by A.
Protein change: p.Arg147His; replaces arginine 147 with histidine.
Molecular consequence: missense variant. On other transcripts: non-coding transcript variant (2).
Genome position (GRCh38, 1-based): chr8:103,403,276, C>T on the plus strand (G>A on the coding strand, the complement: SLC25A32 is on the minus strand). VCF-style: chr8-103403276-C-T. GRCh37 (hg19) VCF-style: chr8-104415504-C-T.
Other names: c.440G>A (NM_030780.4); short protein forms R147H.
Identifiers: ClinVar variation 223106 (VCV000223106.12), dbSNP rs142329098, ClinGen allele CA084038.